The following is an entry in ClinVar:

NM_001375524.1(TRRAP):c.7328C>T (p.Thr2443Met)

Gene: TRRAP (transformation/transcription domain associated protein; plus strand). Cytogenetic location: 7q22.1.
Variant type: single nucleotide variant.
Coding change: c.7328C>T on transcript NM_001375524.1 (MANE Select); coding-DNA position 7328, C replaced by T.
Protein change: p.Thr2443Met; replaces threonine 2443 with methionine.
Molecular consequence: missense variant.
Genome position (GRCh38, 1-based): chr7:98,967,514, C>T. VCF-style: chr7-98967514-C-T. GRCh37 (hg19) VCF-style: chr7-98565137-C-T.
Other names: c.7307C>T, p.Thr2436Met (NM_001244580.2); c.7253C>T, p.Thr2418Met (NM_003496.4); short protein forms T2418M, T2436M, T2443M.
Identifiers: ClinVar variation 3462372 (VCV003462372.3).

ClinVar aggregate classification (germline): Uncertain significance. Review status: criteria provided, multiple submitters, no conflicts (2 of 4 stars). 2 submissions from 2 submitters: Uncertain significance (2). Last evaluated 2024-09-09.

Conditions:
Inborn genetic diseases. Identifiers: MedGen C0950123, MeSH D030342.

gnomAD v4.1: 24 of 1,613,804 alleles (0.0015%); highest among the groups gnomAD compares: African/African-American, 0.0027%; no homozygotes.

Submissions (2):

Ambry Genetics
Classification: Uncertain significance for Inborn genetic diseases. Last evaluated: 2024-09-09. Review status: criteria provided, single submitter. Criteria: Ambry Variant Classification Scheme 2023. Collection method: clinical testing. Allele origin: germline.

Labcorp Genetics (formerly Invitae), Labcorp
Classification: Uncertain significance. Last evaluated: 2024-05-28. Review status: criteria provided, single submitter. Criteria: Invitae Variant Classification Sherloc (09022015). Collection method: clinical testing. Allele origin: germline.
Comment: This sequence change replaces threonine, which is neutral and polar, with methionine, which is neutral and non-polar, at codon 2418 of the TRRAP protein (p.Thr2418Met). This variant is present in population databases (no rsID available, gnomAD 0.007%). This variant has not been reported in the literature in individuals affected with TRRAP-related conditions. Advanced modeling of protein sequence and biophysical properties (such as structural, functional, and spatial information, amino acid conservation, physicochemical variation, residue mobility, and thermodynamic stability) performed at Invitae indicates that this missense variant is expected to disrupt TRRAP protein function with a positive predictive value of 80%. In summary, the available evidence is currently insufficient to determine the role of this variant in disease. Therefore, it has been classified as a Variant of Uncertain Significance.